The following is an entry in ClinVar:

ClinVar aggregate classification (germline): Pathogenic/Likely pathogenic. Review status: criteria provided, multiple submitters, no conflicts (2 of 4 stars). 4 submissions from 4 submitters: Pathogenic (1); Likely pathogenic (1). 2 of the submissions do not count toward it. Last evaluated 2026-03-07.

Conditions:
Combined oxidative phosphorylation deficiency 59 (COXPD59). Identifiers: MedGen C5882730, MONDO:0957992, OMIM 620646.
Mitochondrial disease. Also called: Mitochondrial disorders; Mitochondrial disorder. Identifiers: Orphanet 68380, MedGen C0751651, MeSH D028361, MONDO:0044970.
Leigh syndrome (NULS). Also called: LEIGH SYNDROME, NUCLEAR; Leigh's necrotizing encephalopathy; Leigh's disease; Leigh Syndrome (mtDNA deletion); Leigh's syndrome; Leigh Disease. Identifiers: Orphanet 506, MedGen C2931891, MONDO:0009723, OMIM 256000.

Allele frequency attached by ClinVar (database versions not stated): TOPMed 0.00002; gnomAD 0.00005.
gnomAD v4.1: 8 of 151,500 alleles (0.0053%); highest among the groups gnomAD compares: Non-Finnish European, 0.0088%; no homozygotes.

Submissions (4):

GeneDx
Classification: Likely pathogenic. Last evaluated: 2026-03-07. Review status: criteria provided, single submitter. Criteria: GeneDx Variant Classification Process June 2021. Collection method: clinical testing. Allele origin: germline.
Comment: RNA studies demonstrate a damaging effect: altered splicing resulting in nonsense-mediated mRNA decay and low RNA expression (PMID: 37133451); This variant is associated with the following publications: (PMID: 8602753, 39417332, 37133451)

Victorian Clinical Genetics Services, Murdoch Childrens Research Institute
Classification: Pathogenic for Mitochondrial disease. Last evaluated: 2023-07-17. Review status: criteria provided, single submitter. Criteria: ACMG Guidelines, 2015. Collection method: clinical testing. Allele origin: germline. Inheritance: Autosomal recessive inheritance. Affected: yes.
Comment: Based on the classification scheme VCGS_Germline_v1.3.4, this variant is classified as Pathogenic. Following criteria are met: 0102 - Loss of function is a known mechanism of disease in this gene and is associated with lethal infantile mitochondrial disease. (I) 0106 - This gene is associated with autosomal recessive disease. (I) 0217 - Non-coding variant with predicted effect. RNASeq on patient fibroblasts showed this variant causes mis-splicing resulting a premature termination codon p.(Gln197Argfs*9), which is predicted to lead to nonsense-mediated decay (NMD). RNASeq and immunoblotting showed markedly reduced MRPL39 expression consistent with NMD (PMID: 37133451). (SP) 0251 - This variant is heterozygous. (I) 0304 - Variant is present in gnomAD <0.01 for a recessive condition (v3: 8 heterozygotes, 0 homozygotes). (SP) 0402 - Variant is located in a gene associated with a severe early-onset recessive condition that is intolerant to bi-allelic loss of function variants (gnomAD). (SP) 0704 - Other NMD-predicted variants comparable to the one identified in this case have limited previous evidence for pathogenicity. Another NMD-predicted variant, p.(Ser176Leufs*8), was reported in a patient with mitochondrial disease in trans with this variant (c.589-924G>A; PMID: 37133451). (SP) 0803 - This variant has limited previous evidence of pathogenicity in unrelated individuals. Two patients with lethal infantile mitochondrial disease were found to harbour this variant (PMID: 37133451). (SP) 0905 - No published segregation evidence has been identified for this variant. (I) 1001 - This variant has strong functional evidence supporting abnormal protein function. Western blots on patient fibroblasts showed destabilisation of mitoribosome and defective translation of the OXPHOS complexes (PMID: 37133451). Legend: (SP) - Supporting pathogenic, (I) - Information, (SB) - Supporting benign

Mitochondrial Research Group, Murdoch Children's Research Institute
Classification: Likely pathogenic for Leigh syndrome. Last evaluated: 2022-04-03. Review status: no assertion criteria provided. Collection method: research. Allele origin: inherited, not applicable. Inheritance: Autosomal recessive inheritance. Affected: yes. Observed: 4 variant alleles. Not counted in ClinVar's aggregate classification.

OMIM
Classification: Pathogenic for COMBINED OXIDATIVE PHOSPHORYLATION DEFICIENCY 59. Last evaluated: 1996-03-01. Review status: no assertion criteria provided. Collection method: literature only. Allele origin: germline. Not counted in ClinVar's aggregate classification.

Literature cited by the submitters: PubMed 37133451 (cited by Victorian Clinical Genetics Services, Murdoch Childrens Research Institute and OMIM); PubMed 8602753 (cited by OMIM).

NM_017446.4(MRPL39):c.589-924G>A

Gene: MRPL39 (mitochondrial ribosomal protein L39; minus strand). Cytogenetic location: 21q21.3.
Variant type: single nucleotide variant.
Coding change: c.589-924G>A on transcript NM_017446.4 (MANE Select); 924 bases into the intron before coding-DNA position 589, G replaced by A.
Molecular consequence: intron variant.
Genome position (GRCh38, 1-based): chr21:25,598,338, C>T on the plus strand (G>A on the coding strand, the complement: MRPL39 is on the minus strand). VCF-style: chr21-25598338-C-T. GRCh37 (hg19) VCF-style: chr21-26970650-C-T.
Other names: c.589-924G>A (NM_017446.3, NM_080794.4); c.589_924G>A (NM_017446.4).
Identifiers: ClinVar variation 1676674 (VCV001676674.5), dbSNP rs1209423257, ClinGen allele CA637178735.